The following is an entry in ClinVar:

NM_006329.4(FBLN5):c.1157G>A (p.Gly386Glu)

Gene: FBLN5 (fibulin 5; minus strand). Cytogenetic location: 14q32.12.
Variant type: single nucleotide variant.
Coding change: c.1157G>A on transcript NM_006329.4 (MANE Select); coding-DNA position 1157, G replaced by A.
Protein change: p.Gly386Glu; replaces glycine 386 with glutamic acid.
Molecular consequence: missense variant.
Genome position (GRCh38, 1-based): chr14:91,877,515, C>T on the plus strand (G>A on the coding strand, the complement: FBLN5 is on the minus strand). VCF-style: chr14-91877515-C-T. GRCh37 (hg19) VCF-style: chr14-92343859-C-T.
Other names: c.1280G>A, p.Gly427Glu (NM_001384158.1); c.1208G>A, p.Gly403Glu (NM_001384159.1); c.1157G>A, p.Gly386Glu (NM_001384160.1); c.989G>A, p.Gly330Glu (NM_001384161.1, NM_001384162.1); short protein forms G330E, G386E, G427E, G403E.
Identifiers: ClinVar variation 3000709 (VCV003000709.3), dbSNP rs374737765, ClinGen allele CA265594095.
Genomic context (GRCh38, chr14:91,877,515, plus strand): 5'-AGATGGCGTCCCCACTCCCCACTCCCTCTTACCCGCATGTAAAATTCTCTGCCCTCATTC[C>T]CAGATTTGATCTGGAAAATGTAATAGGCCCCAGGGTAGCGGGTCGTGGCTTGCATTTGGA-3'
Protein context (NP_006320.2, residues 376-396): GAYYIFQIKS[Gly386Glu]NEGREFYMRQ

ClinVar aggregate classification (germline): Uncertain significance (1 of 4 stars; one submission).

Allele frequency attached by ClinVar (database versions not stated): gnomAD exomes below 0.00001; ESP Exome Variant Server 0.00008.
gnomAD v4.1: 2 of 1,614,112 alleles (0.00012%); highest among the groups gnomAD compares: Non-Finnish European, 0.00017%; no homozygotes.

Submission:

Labcorp Genetics (formerly Invitae), Labcorp
Classification: Uncertain significance. Last evaluated: 2025-03-07. Review status: criteria provided, single submitter. Criteria: Invitae Variant Classification Sherloc (09022015). Collection method: clinical testing. Allele origin: germline.
Comment: This sequence change replaces glycine, which is neutral and non-polar, with glutamic acid, which is acidic and polar, at codon 386 of the FBLN5 protein (p.Gly386Glu). This variant is present in population databases (rs374737765, gnomAD 0.0009%). This variant has not been reported in the literature in individuals affected with FBLN5-related conditions. ClinVar contains an entry for this variant (Variation ID: 3000709). Invitae Evidence Modeling of protein sequence and biophysical properties (such as structural, functional, and spatial information, amino acid conservation, physicochemical variation, residue mobility, and thermodynamic stability) has been performed for this missense variant. However, the output from this modeling did not meet the statistical confidence thresholds required to predict the impact of this variant on FBLN5 protein function. In summary, the available evidence is currently insufficient to determine the role of this variant in disease. Therefore, it has been classified as a Variant of Uncertain Significance.